The following is an entry in ClinVar:

NM_001267550.2(TTN):c.68728G>A (p.Gly22910Arg)

Genes: TTN (titin; minus strand), TTN-AS1 (TTN antisense RNA 1; plus strand). Cytogenetic location: 2q31.2.
Variant type: single nucleotide variant.
Coding change: c.68728G>A on transcript NM_001267550.2 (MANE Select); coding-DNA position 68728, G replaced by A.
Protein change: p.Gly22910Arg; replaces glycine 22910 with arginine.
Molecular consequence: missense variant.
Genome position (GRCh38, 1-based): chr2:178,577,698, C>T on the plus strand (G>A on the coding strand, the complement: TTN is on the minus strand). VCF-style: chr2-178577698-C-T. GRCh37 (hg19) VCF-style: chr2-179442425-C-T.
Other names: p.G21269R:GGA>AGA; c.41908G>A, p.Gly13970Arg (NM_133432.3); c.42109G>A, p.Gly14037Arg (NM_133437.4); c.63805G>A, p.Gly21269Arg (NM_001256850.1); c.41533G>A, p.Gly13845Arg (NM_003319.4); c.61024G>A, p.Gly20342Arg (NM_133378.4); short protein forms G21269R, G22910R, G13845R, G13970R, G14037R, G20342R.
Identifiers: ClinVar variation 202322 (VCV000202322.5), dbSNP rs794729245, ClinGen allele CA309082.

ClinVar aggregate classification (germline): Conflicting classifications of pathogenicity. Review status: criteria provided, conflicting classifications (1 of 4 stars). 2 submissions from 2 submitters: Uncertain significance (1); Likely benign (1). Last evaluated 2017-11-04.

Conditions:
Dilated cardiomyopathy 1G (CMD1G). Identifiers: Orphanet 154, MedGen C1858763, MONDO:0011400, OMIM 604145.
Autosomal recessive limb-girdle muscular dystrophy type 2J (LGMDR10). Also called: MUSCULAR DYSTROPHY, LIMB-GIRDLE, AUTOSOMAL RECESSIVE 10; Limb-girdle muscular dystrophy, type 2J. Identifiers: Orphanet 140922, MedGen C1837342, MONDO:0012127, OMIM 608807.

Allele frequency attached by ClinVar (database versions not stated): gnomAD 0.00001; TOPMed 0.00001.
gnomAD v4.1: 1 of 1,613,280 alleles (0.000062%); highest among the groups gnomAD compares: African/African-American, 0.0013%; no homozygotes.

Submissions (2):

Labcorp Genetics (formerly Invitae), Labcorp
Classification: Uncertain significance for Dilated cardiomyopathy 1G; Autosomal recessive limb-girdle muscular dystrophy type 2J. Last evaluated: 2017-11-04. Review status: criteria provided, single submitter. Criteria: Invitae Variant Classification Sherloc (09022015). Collection method: clinical testing. Allele origin: germline.

GeneDx
Classification: Likely benign. Last evaluated: 2012-10-26. Review status: criteria provided, single submitter. Criteria: GeneDx Variant Classification (06012015). Collection method: clinical testing. Allele origin: germline. Affected: yes.
Comment: This variant is considered likely benign or benign based on one or more of the following criteria: it is a conservative change, it occurs at a poorly conserved position in the protein, it is predicted to be benign by multiple in silico algorithms, and/or has population frequency not consistent with disease.